The following is an entry in ClinVar:

NC_000022.10:g.(?_17669209)_(17672720_?)del

Gene: ADA2 (adenosine deaminase 2; minus strand). Cytogenetic location: 22q11.1.
Variant type: Deletion.
Identifiers: ClinVar variation 2424097 (VCV002424097.6).

ClinVar aggregate classification (germline): Pathogenic (1 of 4 stars; one submission).

Conditions:
Deficiency of adenosine deaminase 2. Also called: Polyarteritis nodosa, childhoood-onset; Adenosine Deaminase 2 Deficiency; VASCULITIS, AUTOINFLAMMATION, IMMUNODEFICIENCY, AND HEMATOLOGIC DEFECTS SYNDROME. Identifiers: Orphanet 404553, MedGen C3887654, MONDO:0014306, OMIM 615688, MONDO:0100317.

Submission:

Labcorp Genetics (formerly Invitae), Labcorp
Classification: Pathogenic for Deficiency of adenosine deaminase 2. Last evaluated: 2024-01-01. Review status: criteria provided, single submitter. Criteria: Invitae Variant Classification Sherloc (09022015). Collection method: clinical testing. Allele origin: germline.
Comment: This variant is a gross deletion of the genomic region encompassing exon(s) 5-7 of the ADA2 gene. This deletion is out-of-frame, and is expected to create a premature termination codon and result in an absent or disrupted protein product. Loss-of-function variants in ADA2 are known to be pathogenic (PMID: 24552284, 24552285). A similar copy number variant has been observed in individual(s) with clinical features of adenosine deaminase 2 deficiency (DADA2) (PMID: 32643137). For these reasons, this variant has been classified as Pathogenic.

Literature cited by the submitters: PubMed 24552284; PubMed 24552285; PubMed 32643137.